The following is an entry in ClinVar:

NM_003501.3(ACOX3):c.225C>T (p.Arg75=)

Gene: ACOX3 (acyl-CoA oxidase 3, pristanoyl; minus strand). Cytogenetic location: 4p16.1.
Variant type: single nucleotide variant.
Coding change: c.225C>T on transcript NM_003501.3 (MANE Select); coding-DNA position 225, C replaced by T.
Protein change: p.Arg75=; no amino-acid change (arginine 75 retained).
Molecular consequence: synonymous variant. On other transcripts: 5 prime UTR variant (1).
Genome position (GRCh38, 1-based): chr4:8,415,919, G>A on the plus strand (C>T on the coding strand, the complement: ACOX3 is on the minus strand). VCF-style: chr4-8415919-G-A. GRCh37 (hg19) VCF-style: chr4-8417646-G-A.
Other names: c.225C>T, p.Arg75= (NM_001101667.2, NM_001375783.1, NM_001375784.1 and 5 more transcripts); c.-61C>T (NM_001375789.1).
Identifiers: ClinVar variation 731035 (VCV000731035.28), dbSNP rs115667291, ClinGen allele CA2851755.

ClinVar aggregate classification (germline): Likely benign. Review status: criteria provided, multiple submitters, no conflicts (2 of 4 stars). 3 submissions from 3 submitters: Likely benign (3). Last evaluated 2022-07-01.

Allele frequency attached by ClinVar (database versions not stated): 1000 Genomes Project 30x 0.00094; 1000 Genomes Project 0.00100; TOPMed 0.00124; gnomAD 0.00145 and 0.00147; ExAC 0.00161; gnomAD exomes 0.00165 and 0.00194; ESP Exome Variant Server 0.00177.
gnomAD v4.1: 3,054 of 1,614,192 alleles (0.19%); highest among the groups gnomAD compares: Middle Eastern, 0.31%; 7 homozygotes.

Submissions (3):

CeGaT Center for Human Genetics Tuebingen
Classification: Likely benign. Last evaluated: 2022-07-01. Review status: criteria provided, single submitter. Criteria: CeGaT Center For Human Genetics Tuebingen Variant Classification Criteria Version 2. Collection method: clinical testing. Allele origin: germline. Affected: yes. Observed: 1 variant allele.
Comment: ACOX3: BP4, BP7

Labcorp Genetics (formerly Invitae), Labcorp
Classification: Likely benign. Last evaluated: 2017-12-20. Review status: criteria provided, single submitter. Criteria: Invitae Variant Classification Sherloc (09022015). Collection method: clinical testing. Allele origin: germline.

Breakthrough Genomics
Classification: Likely benign. Review status: criteria provided, single submitter. Criteria: ACMG Guidelines, 2015. Collection method: not provided. Allele origin: germline. Inheritance: Unknown mechanism. Affected: yes.